The following is an entry in ClinVar:

NM_001182.5(ALDH7A1):c.1094-4C>T

Gene: ALDH7A1 (aldehyde dehydrogenase 7 family member A1; minus strand). Cytogenetic location: 5q23.2.
Variant type: single nucleotide variant.
Coding change: c.1094-4C>T on transcript NM_001182.5 (MANE Select); 4 bases into the intron before coding-DNA position 1094, C replaced by T.
Molecular consequence: intron variant.
Genome position (GRCh38, 1-based): chr5:126,554,397, G>A on the plus strand (C>T on the coding strand, the complement: ALDH7A1 is on the minus strand). VCF-style: chr5-126554397-G-A. GRCh37 (hg19) VCF-style: chr5-125890089-G-A.
Other names: c.1009-2260C>T (NM_001202404.2); c.1010-4C>T (NM_001201377.2).
Identifiers: ClinVar variation 382907 (VCV000382907.4), dbSNP rs977039138, ClinGen allele CA16604679.

ClinVar aggregate classification (germline): Likely benign. Review status: criteria provided, multiple submitters, no conflicts (2 of 4 stars). 2 submissions from 2 submitters: Likely benign (2). Last evaluated 2023-10-05.

Conditions:
Pyridoxine-dependent epilepsy (EPEO4). Also called: Pyridoxine-Dependent Epilepsy - ALDH7A1; EPILEPSY, EARLY-ONSET, 4, VITAMIN B6-DEPENDENT; Pyridoxine-Dependent Seizures; PYRIDOXINE DEPENDENCY WITH SEIZURES. Identifiers: Orphanet 3006, MedGen C1849508, MONDO:0009945, OMIM 266100. Disease mechanism: loss of function.

Allele frequency attached by ClinVar (database versions not stated): gnomAD exomes below 0.00001; TOPMed 0.00007; gnomAD 0.00001.
gnomAD v4.1: 2 of 1,613,402 alleles (0.00012%); highest among the groups gnomAD compares: African/African-American, 0.0027%; no homozygotes.

Submissions (2):

Labcorp Genetics (formerly Invitae), Labcorp
Classification: Likely benign for Pyridoxine-dependent epilepsy. Last evaluated: 2023-10-05. Review status: criteria provided, single submitter. Criteria: Invitae Variant Classification Sherloc (09022015). Collection method: clinical testing. Allele origin: germline.

GeneDx
Classification: Likely benign. Last evaluated: 2016-01-20. Review status: criteria provided, single submitter. Criteria: GeneDx Variant Classification (06012015). Collection method: clinical testing. Allele origin: germline. Affected: yes.
Comment: This variant is considered likely benign or benign based on one or more of the following criteria: it is a conservative change, it occurs at a poorly conserved position in the protein, it is predicted to be benign by multiple in silico algorithms, and/or has population frequency not consistent with disease.